The following is an entry in ClinVar:

NM_003742.4(ABCB11):c.1641A>G (p.Gln547=)

Gene: ABCB11 (ATP binding cassette subfamily B member 11; minus strand). Cytogenetic location: 2q31.1.
Variant type: single nucleotide variant.
Coding change: c.1641A>G on transcript NM_003742.4 (MANE Select); coding-DNA position 1641, A replaced by G.
Protein change: p.Gln547=; no amino-acid change (glutamine 547 retained).
Molecular consequence: synonymous variant.
Genome position (GRCh38, 1-based): chr2:168,970,213, T>C on the plus strand (A>G on the coding strand, the complement: ABCB11 is on the minus strand). VCF-style: chr2-168970213-T-C. GRCh37 (hg19) VCF-style: chr2-169826723-T-C.
Identifiers: ClinVar variation 5001058 (VCV005001058.1).

ClinVar aggregate classification (germline): Uncertain significance (1 of 4 stars; one submission).

Conditions:
ABCB11-related disorder. Also called: ABCB11-related condition.

gnomAD v4.1: 2 of 1,611,016 alleles (0.00012%); highest among the groups gnomAD compares: Middle Eastern, 0.017%; no homozygotes.

Submission:

PreventionGenetics, part of Exact Sciences
Classification: Uncertain significance for ABCB11-related condition. Last evaluated: 2025-04-23. Review status: criteria provided, single submitter. Criteria: ACMG Guidelines, 2015. Collection method: clinical testing. Allele origin: germline.
Comment: The ABCB11 c.1641A>G variant is not predicted to result in an amino acid change (p.=). To our knowledge, this variant has not been reported in the literature or in a large population database (gnomAD), indicating this variant is rare. This variant is predicted to alter splicing based on available splicing prediction programs (SpliceAI, Jaganathan et al. 2019. PubMed ID: 30661751). However, the use of computer prediction programs is not equivalent to functional evidence. At this time, the clinical significance of this variant is uncertain due to the absence of conclusive functional and genetic evidence.